The following is an entry in ClinVar:

NM_032043.3(BRIP1):c.205+1G>C

Gene: BRIP1 (BRCA1 interacting DNA helicase 1; minus strand). Cytogenetic location: 17q23.2.
Variant type: single nucleotide variant.
Coding change: c.205+1G>C on transcript NM_032043.3 (MANE Select); the canonical splice donor site of the intron after coding-DNA position 205, G replaced by C.
Molecular consequence: splice donor variant.
Genome position (GRCh38, 1-based): chr17:61,859,795, C>G on the plus strand (G>C on the coding strand, the complement: BRIP1 is on the minus strand). VCF-style: chr17-61859795-C-G. GRCh37 (hg19) VCF-style: chr17-59937156-C-G.
Identifiers: ClinVar variation 2583415 (VCV002583415.2), dbSNP rs2145849372, ClinGen allele CA400485640.

ClinVar aggregate classification (germline): Likely pathogenic (1 of 4 stars; one submission).

Conditions:
Familial cancer of breast. Also called: Hereditary breast cancer; BREAST CANCER, FAMILIAL; hereditary breast carcinoma. Identifiers: Orphanet 227535, MedGen C0346153, MONDO:0016419, OMIM 114480. Disease mechanism: loss of function.

Submission:

Myriad Genetics, Inc.
Classification: Likely pathogenic for Familial cancer of breast. Last evaluated: 2023-05-30. Review status: criteria provided, single submitter. Criteria: Myriad Autosomal Dominant, Autosomal Recessive and X-Linked Classification Criteria (2023). Collection method: clinical testing. Allele origin: unknown.
Comment: This variant is considered likely pathogenic. This variant occurs within a consensus splice junction and is predicted to result in abnormal mRNA splicing of either an out-of-frame exon or an in-frame exon necessary for protein stability and/or normal function.